The following is an entry in ClinVar:

NM_007118.4(TRIO):c.40_57del (p.Ser14_Ala19del)

Gene: TRIO (trio Rho guanine nucleotide exchange factor; plus strand). Cytogenetic location: 5p15.2.
Variant type: Deletion.
Coding change: c.40_57del on transcript NM_007118.4 (MANE Select); coding-DNA positions 40 to 57, 18 bases deleted (TCCTCCGGCCCCGCCGCG).
Protein change: p.Ser14_Ala19del.
Molecular consequence: inframe deletion. On other transcripts: non-coding transcript variant (1).
Genome position (GRCh38, 1-based): chr5:14,143,765-14,143,782, TCCTCCGGCCCCGCCGCG deleted; deleting any 18 consecutive bases within chr5:14,143,755-14,143,782 gives the same sequence; the c. name uses the placement nearest the transcript's 3' end. VCF-style (leftmost placement, unchanged base first): chr5-14143754-CCCCCGCCGCGTCCTCCGG-C. GRCh37 (hg19) VCF-style: chr5-14143863-CCCCCGCCGCGTCCTCCGG-C.
Identifiers: ClinVar variation 3182865 (VCV003182865.1), dbSNP rs1227649681, ClinGen allele CA558003101.
Genomic context (GRCh38, chr5:14,143,754, plus strand): 5'-AGGCGGGCGCGGCCGCGGGCGCCGCCGCAGCCATGAGCGGCAGCAGCGGCGGAGCCGCCG[CCCCCGCCGCGTCCTCCGG>C]CCCCGCCGCGGCGGCCAGCGCGGCTGGCTCGGGCTGCGGGGGCGGTGCCGGCGAGGGGGC-3'

ClinVar aggregate classification (germline): Uncertain significance (1 of 4 stars; one submission).

Conditions:
Inborn genetic diseases. Identifiers: MedGen C0950123, MeSH D030342.

Submission:

Ambry Genetics
Classification: Uncertain significance for Inborn genetic diseases. Last evaluated: 2023-11-20. Review status: criteria provided, single submitter. Criteria: Ambry Variant Classification Scheme 2023. Collection method: clinical testing. Allele origin: germline.
Comment: The c.40_57del18 (p.S14_A19del) alteration is located in exon 1 (coding exon 1) of the TRIO gene. This alteration consists of an in-frame deletion of 18 nucleotides between nucleotide positions c.40 and c.57, resulting in the deletion of <NA> residues. Based on insufficient or conflicting evidence, the clinical significance of this alteration remains unclear.